The following is an entry in ClinVar:

ClinVar aggregate classification (germline): Uncertain significance (1 of 4 stars; one submission).

gnomAD v4.1: 2 of 1,594,216 alleles (0.00013%); highest among the groups gnomAD compares: South Asian, 0.0023%; no homozygotes.

Submission:

Labcorp Genetics (formerly Invitae), Labcorp
Classification: Uncertain significance. Last evaluated: 2023-10-27. Review status: criteria provided, single submitter. Criteria: Invitae Variant Classification Sherloc (09022015). Collection method: clinical testing. Allele origin: germline.
Comment: This sequence change replaces alanine, which is neutral and non-polar, with threonine, which is neutral and polar, at codon 816 of the MPDZ protein (p.Ala816Thr). This variant is not present in population databases (gnomAD no frequency). This variant has not been reported in the literature in individuals affected with MPDZ-related conditions. ClinVar contains an entry for this variant (Variation ID: 1974761). Algorithms developed to predict the effect of missense changes on protein structure and function output the following: SIFT: "Not Available"; PolyPhen-2: "Benign"; Align-GVGD: "Not Available". The threonine amino acid residue is found in multiple mammalian species, which suggests that this missense change does not adversely affect protein function. In summary, the available evidence is currently insufficient to determine the role of this variant in disease. Therefore, it has been classified as a Variant of Uncertain Significance.

NM_001378778.1(MPDZ):c.2446G>A (p.Ala816Thr)

Gene: MPDZ (multiple PDZ domain crumbs cell polarity complex component; minus strand). Cytogenetic location: 9p23.
Variant type: single nucleotide variant.
Coding change: c.2446G>A on transcript NM_001378778.1 (MANE Select); coding-DNA position 2446, G replaced by A.
Protein change: p.Ala816Thr; replaces alanine 816 with threonine.
Molecular consequence: missense variant.
Genome position (GRCh38, 1-based): chr9:13,186,305, C>T on the plus strand (G>A on the coding strand, the complement: MPDZ is on the minus strand). VCF-style: chr9-13186305-C-T. GRCh37 (hg19) VCF-style: chr9-13186304-C-T.
Other names: c.2446G>A, p.Ala816Thr (NM_001261406.2, NM_001261407.2, NM_001330637.2 and 14 more transcripts); short protein forms A816T.
Identifiers: ClinVar variation 1974761 (VCV001974761.5), dbSNP rs1233370963, ClinGen allele CA372936299.